The following is an entry in ClinVar:

ClinVar aggregate classification (germline): Uncertain significance (1 of 4 stars; one submission).

Submission:

Labcorp Genetics (formerly Invitae), Labcorp
Classification: Uncertain significance. Last evaluated: 2025-04-14. Review status: criteria provided, single submitter. Criteria: Invitae Variant Classification Sherloc (09022015). Collection method: clinical testing. Allele origin: germline.
Comment: This sequence change replaces glutamine, which is neutral and polar, with arginine, which is basic and polar, at codon 280 of the CTNNB1 protein (p.Gln280Arg). This variant is not present in population databases (gnomAD no frequency). This variant has not been reported in the literature in individuals affected with CTNNB1-related conditions. Invitae Evidence Modeling of protein sequence and biophysical properties (such as structural, functional, and spatial information, amino acid conservation, physicochemical variation, residue mobility, and thermodynamic stability) indicates that this missense variant is expected to disrupt CTNNB1 protein function with a positive predictive value of 80%. In summary, the available evidence is currently insufficient to determine the role of this variant in disease. Therefore, it has been classified as a Variant of Uncertain Significance.

NM_001904.4(CTNNB1):c.839A>G (p.Gln280Arg)

Gene: CTNNB1 (catenin beta 1; plus strand). Cytogenetic location: 3p22.1.
Variant type: single nucleotide variant.
Coding change: c.839A>G on transcript NM_001904.4 (MANE Select); coding-DNA position 839, A replaced by G.
Protein change: p.Gln280Arg; replaces glutamine 280 with arginine.
Molecular consequence: missense variant.
Genome position (GRCh38, 1-based): chr3:41,225,764, A>G. VCF-style: chr3-41225764-A-G. GRCh37 (hg19) VCF-style: chr3-41267255-A-G.
Other names: c.839A>G, p.Gln280Arg (NM_001098209.2, NM_001098210.2, NM_001438871.1 and 4 more transcripts); c.818A>G, p.Gln273Arg (NM_001330729.2); short protein forms Q273R, Q280R.
Identifiers: ClinVar variation 4741043 (VCV004741043.1).
Genomic context (GRCh38, chr3:41,225,764, plus strand): 5'-ACAACCTTTTATTACATCAAGAAGGAGCTAAAATGGCAGTGCGTTTAGCTGGTGGGCTGC[A>G]GAAAATGGTTGCCTTGCTCAACAAAACAAATGTTAAATTCTTGGCTATTACGACAGACTG-3'
Protein context (NP_001895.1, residues 270-290): KMAVRLAGGL[Gln280Arg]KMVALLNKTN